The following is an entry in ClinVar:

ClinVar aggregate classification (germline): Likely benign (1 of 4 stars; one submission).

gnomAD v4.1: 663 of 1,613,806 alleles (0.041%); highest among the groups gnomAD compares: Non-Finnish European, 0.051%; no homozygotes.

Submission:

CeGaT Center for Human Genetics Tuebingen
Classification: Likely benign. Last evaluated: 2026-08-01. Review status: criteria provided, single submitter. Criteria: CeGaT Center For Human Genetics Tuebingen Variant Classification Criteria Version 2. Collection method: clinical testing. Allele origin: germline. Affected: yes. Observed: 2 variant alleles.
Comment: SLC16A6: BP4, BP7

NM_004694.5(SLC16A6):c.498C>T (p.Phe166=)

Genes: ARSG (arylsulfatase G; plus strand), SLC16A6 (solute carrier family 16 member 6; minus strand). Cytogenetic location: 17q24.2.
Variant type: single nucleotide variant.
Coding change: c.498C>T on transcript NM_004694.5 (MANE Select); coding-DNA position 498, C replaced by T.
Protein change: p.Phe166=; no amino-acid change (phenylalanine 166 retained).
Molecular consequence: synonymous variant. On other transcripts: intron variant (3).
Genome position (GRCh38, 1-based): chr17:68,272,646, G>A on the plus strand (C>T on the coding strand, the complement: SLC16A6 is on the minus strand). VCF-style: chr17-68272646-G-A. GRCh37 (hg19) VCF-style: chr17-66268787-G-A.
Other names: c.-552+13220G>A (NM_014960.5, NM_001352903.2, NM_001352904.2); c.498C>T, p.Phe166= (NM_001174166.2).
Identifiers: ClinVar variation 5038663 (VCV005038663.1).